The following is an entry in ClinVar:

NM_006648.4(WNK2):c.488C>T (p.Pro163Leu)

Gene: WNK2 (WNK lysine deficient protein kinase 2; plus strand). Cytogenetic location: 9q22.31.
Variant type: single nucleotide variant.
Coding change: c.488C>T on transcript NM_006648.4 (MANE Select); coding-DNA position 488, C replaced by T.
Protein change: p.Pro163Leu; replaces proline 163 with leucine.
Molecular consequence: missense variant.
Genome position (GRCh38, 1-based): chr9:93,185,417, C>T. VCF-style: chr9-93185417-C-T. GRCh37 (hg19) VCF-style: chr9-95947699-C-T.
Other names: c.488C>T, p.Pro163Leu (NM_001282394.3); short protein forms P163L.
Identifiers: ClinVar variation 4605327 (VCV004605327.1).

ClinVar aggregate classification (germline): Uncertain significance (1 of 4 stars; one submission).

gnomAD v4.1: 1 of 1,609,272 alleles (0.000062%); highest among the groups gnomAD compares: Non-Finnish European, 0.000085%; no homozygotes.

Submission:

Ambry Genetics
Classification: Uncertain significance. Last evaluated: 2025-11-01. Review status: criteria provided, single submitter. Criteria: Ambry Variant Classification Scheme 2023. Collection method: clinical testing. Allele origin: germline.
Comment: The p.P163L variant (also known as c.488C>T), located in coding exon 1 of the WNK2 gene, results from a C to T substitution at nucleotide position 488. The proline at codon 163 is replaced by leucine, an amino acid with similar properties. This amino acid position is conserved. In addition, this alteration is predicted to be tolerated by in silico analysis. Based on the available evidence, the clinical significance of this variant remains unclear.